The following is an entry in ClinVar:

ClinVar aggregate classification (germline): Uncertain significance. Review status: criteria provided, multiple submitters, no conflicts (2 of 4 stars). 2 submissions from 2 submitters: Uncertain significance (2). Last evaluated 2023-12-20.

Conditions:
Fanconi anemia (FA). Also called: Fanconi's anemia. Identifiers: Orphanet 84, MedGen C0015625, MeSH D005199, MONDO:0019391.
Inborn genetic diseases. Identifiers: MedGen C0950123, MeSH D030342.

Allele frequency attached by ClinVar (database versions not stated): TOPMed below 0.00001; ExAC 0.00001; gnomAD exomes 0.00001.

Submissions (2):

Ambry Genetics
Classification: Uncertain significance for Inborn genetic diseases. Last evaluated: 2023-12-20. Review status: criteria provided, single submitter. Criteria: Ambry Variant Classification Scheme 2023. Collection method: clinical testing. Allele origin: germline.

Labcorp Genetics (formerly Invitae), Labcorp
Classification: Uncertain significance for Fanconi anemia. Last evaluated: 2023-03-14. Review status: criteria provided, single submitter. Criteria: Invitae Variant Classification Sherloc (09022015). Collection method: clinical testing. Allele origin: germline.
Comment: This variant has not been reported in the literature in individuals affected with SLX4-related conditions. The frequency data for this variant in the population databases is considered unreliable, as metrics indicate poor data quality at this position in the gnomAD database. This sequence change replaces valine, which is neutral and non-polar, with isoleucine, which is neutral and non-polar, at codon 783 of the SLX4 protein (p.Val783Ile). ClinVar contains an entry for this variant (Variation ID: 456301). In summary, the available evidence is currently insufficient to determine the role of this variant in disease. Therefore, it has been classified as a Variant of Uncertain Significance. An algorithm developed to predict the effect of missense changes on protein structure and function (PolyPhen-2) suggests that this variant is likely to be disruptive.

NM_032444.4(SLX4):c.2347G>A (p.Val783Ile)

Gene: SLX4 (SLX4 structure-specific endonuclease subunit; minus strand). Cytogenetic location: 16p13.3.
Variant type: single nucleotide variant.
Coding change: c.2347G>A on transcript NM_032444.4 (MANE Select); coding-DNA position 2347, G replaced by A.
Protein change: p.Val783Ile; replaces valine 783 with isoleucine.
Molecular consequence: missense variant.
Genome position (GRCh38, 1-based): chr16:3,591,291, C>T on the plus strand (G>A on the coding strand, the complement: SLX4 is on the minus strand). VCF-style: chr16-3591291-C-T. GRCh37 (hg19) VCF-style: chr16-3641292-C-T.
Other names: c.2347G>A (LRG_503t1); short protein forms V783I.
Identifiers: ClinVar variation 456301 (VCV000456301.9), dbSNP rs771580450, ClinGen allele CA7866172.
Genomic context (GRCh38, chr16:3,591,291, plus strand): 5'-TCTCCTCCCATGGTTTGCCCTCTGAGTCAGTGGCAATAGGCACCTGTTCGCACAGGTGAA[C>T]GAGCTCACTCACGCCAAACCTGCAACACGAAACATCGACAGTCATCGCCCCTCTGCGTGG-3'
Protein context (NP_115820.2, residues 773-793): LAHRFGVSEL[Val783Ile]HLCEQVPIAT